The following is an entry in ClinVar:

ClinVar aggregate classification (germline): Uncertain significance. Review status: criteria provided, multiple submitters, no conflicts (2 of 4 stars). 2 submissions from 2 submitters: Uncertain significance (2). Last evaluated 2025-11-04.

Conditions:
Tuberous sclerosis 2 (TSC2). Identifiers: Orphanet 805, MedGen C1860707, MONDO:0013199, OMIM 613254.
Hereditary cancer-predisposing syndrome. Also called: Neoplastic Syndromes, Hereditary; Hereditary Cancer Syndrome; Hereditary neoplastic syndrome; Tumor predisposition. Identifiers: Orphanet 140162, MedGen C0027672, MeSH D009386, MONDO:0015356.

Submissions (2):

Ambry Genetics
Classification: Uncertain significance for Hereditary cancer-predisposing syndrome. Last evaluated: 2025-11-04. Review status: criteria provided, single submitter. Criteria: Ambry Variant Classification Scheme 2023. Collection method: clinical testing. Allele origin: germline.
Comment: The p.L826V variant (also known as c.2476C>G), located in coding exon 21 of the TSC2 gene, results from a C to G substitution at nucleotide position 2476. The leucine at codon 826 is replaced by valine, an amino acid with highly similar properties. This amino acid position is highly conserved in available vertebrate species. In addition, the in silico prediction for this alteration is inconclusive. Based on the available evidence, the clinical significance of this variant remains unclear.

Labcorp Genetics (formerly Invitae), Labcorp
Classification: Uncertain significance for Tuberous sclerosis 2. Last evaluated: 2024-02-18. Review status: criteria provided, single submitter. Criteria: Invitae Variant Classification Sherloc (09022015). Collection method: clinical testing. Allele origin: germline.
Comment: This sequence change replaces leucine, which is neutral and non-polar, with valine, which is neutral and non-polar, at codon 826 of the TSC2 protein (p.Leu826Val). This variant is not present in population databases (gnomAD no frequency). This variant has not been reported in the literature in individuals affected with TSC2-related conditions. ClinVar contains an entry for this variant (Variation ID: 640596). Advanced modeling of protein sequence and biophysical properties (such as structural, functional, and spatial information, amino acid conservation, physicochemical variation, residue mobility, and thermodynamic stability) performed at Invitae indicates that this missense variant is not expected to disrupt TSC2 protein function with a negative predictive value of 95%. This variant disrupts the p.Leu826 amino acid residue in TSC2. Other variant(s) that disrupt this residue have been determined to be pathogenic (PMID: 21520333, 22903760). This suggests that this residue is clinically significant, and that variants that disrupt this residue are likely to be disease-causing. In summary, the available evidence is currently insufficient to determine the role of this variant in disease. Therefore, it has been classified as a Variant of Uncertain Significance.

Literature cited by the submitters: PubMed 21520333 (cited by Labcorp Genetics (formerly Invitae), Labcorp); PubMed 22903760 (cited by Labcorp Genetics (formerly Invitae), Labcorp).

NM_000548.5(TSC2):c.2476C>G (p.Leu826Val)

Gene: TSC2 (TSC complex subunit 2; plus strand). Cytogenetic location: 16p13.3.
Variant type: single nucleotide variant.
Coding change: c.2476C>G on transcript NM_000548.5 (MANE Select); coding-DNA position 2476, C replaced by G.
Protein change: p.Leu826Val; replaces leucine 826 with valine.
Molecular consequence: missense variant.
Genome position (GRCh38, 1-based): chr16:2,074,320, C>G. VCF-style: chr16-2074320-C-G. GRCh37 (hg19) VCF-style: chr16-2124321-C-G.
Other names: c.1876C>G, p.Leu626Val (NM_001318831.2); c.2509C>G, p.Leu837Val (NM_001318832.2); c.2476C>G, p.Leu826Val (NM_001363528.2, NM_001370404.1, NM_001370405.1 and 3 more transcripts); c.2365C>G, p.Leu789Val (NM_001318827.2); c.2329C>G, p.Leu777Val (NM_001318829.2); short protein forms L626V, L777V, L789V, L826V, L837V.
Identifiers: ClinVar variation 640596 (VCV000640596.7), dbSNP rs45517238, ClinGen allele CA394277660.